The following is an entry in ClinVar:

ClinVar aggregate classification (germline): Uncertain significance (1 of 4 stars; one submission).

gnomAD v4.1: 4 of 1,613,994 alleles (0.00025%); highest among the groups gnomAD compares: Non-Finnish European, 0.00025%; no homozygotes.

Submission:

GeneDx
Classification: Uncertain significance. Last evaluated: 2025-08-02. Review status: criteria provided, single submitter. Criteria: GeneDx Variant Classification Process June 2021. Collection method: clinical testing. Allele origin: germline. Affected: yes.
Comment: Not observed at significant frequency in large population cohorts (gnomAD); In silico analysis supports that this missense variant has a deleterious effect on protein structure/function; Has not been previously published as pathogenic or benign to our knowledge

NM_015047.3(EMC1):c.154A>G (p.Lys52Glu)

Gene: EMC1 (ER membrane protein complex subunit 1; minus strand). Cytogenetic location: 1p36.13.
Variant type: single nucleotide variant.
Coding change: c.154A>G on transcript NM_015047.3 (MANE Select); coding-DNA position 154, A replaced by G.
Protein change: p.Lys52Glu; replaces lysine 52 with glutamic acid.
Molecular consequence: missense variant.
Genome position (GRCh38, 1-based): chr1:19,244,972, T>C on the plus strand (A>G on the coding strand, the complement: EMC1 is on the minus strand). VCF-style: chr1-19244972-T-C. GRCh37 (hg19) VCF-style: chr1-19571466-T-C.
Other names: c.154A>G, p.Lys52Glu (NM_001271427.2, NM_001271428.2, NM_001271429.2 and 2 more transcripts); short protein forms K52E.
Identifiers: ClinVar variation 4689885 (VCV004689885.1).